The following is an entry in ClinVar:

ClinVar aggregate classification (germline): Uncertain significance (1 of 4 stars; one submission).

Submission:

GeneDx
Classification: Uncertain significance. Last evaluated: 2024-06-24. Review status: criteria provided, single submitter. Criteria: GeneDx Variant Classification Process June 2021. Collection method: clinical testing. Allele origin: germline. Affected: yes.
Comment: Not observed at significant frequency in large population cohorts (gnomAD); In silico analysis indicates that this missense variant does not alter protein structure/function; Has not been previously published as pathogenic or benign to our knowledge; This variant is associated with the following publications: (PMID: 28545555)

NM_152703.5(SAMD9L):c.3415A>C (p.Lys1139Gln)

Gene: SAMD9L (sterile alpha motif domain containing 9 like; minus strand). Cytogenetic location: 7q21.2.
Variant type: single nucleotide variant.
Coding change: c.3415A>C on transcript NM_152703.5 (MANE Select); coding-DNA position 3415, A replaced by C.
Protein change: p.Lys1139Gln; replaces lysine 1139 with glutamine.
Molecular consequence: missense variant.
Genome position (GRCh38, 1-based): chr7:93,132,557, T>G on the plus strand (A>C on the coding strand, the complement: SAMD9L is on the minus strand). VCF-style: chr7-93132557-T-G. GRCh37 (hg19) VCF-style: chr7-92761870-T-G.
Other names: c.3415A>C, p.Lys1139Gln (NM_001303496.3, NM_001303497.3, NM_001303498.3 and 5 more transcripts); short protein forms K1139Q.
Identifiers: ClinVar variation 3392845 (VCV003392845.1).
Genomic context (GRCh38, chr7:93,132,557, plus strand): 5'-CTTTTTCCGCAGCTTCTAGGAGATGTGTTAGGTCATTAACAGTAATGCTCCTACAGTTTT[T>G]GTTCCCATCCAACCACCATTTGATTTCACTTTTGTAGACTTGACCTAGTGTATCTGAAAT-3'
Protein context (NP_689916.2, residues 1129-1149): SEIKWWLDGN[Lys1139Gln]NCRSITVNDL